The following is an entry in ClinVar:

ClinVar aggregate classification (germline): Uncertain significance (1 of 4 stars; one submission).

Submission:

Labcorp Genetics (formerly Invitae), Labcorp
Classification: Uncertain significance. Last evaluated: 2022-05-30. Review status: criteria provided, single submitter. Criteria: Invitae Variant Classification Sherloc (09022015). Collection method: clinical testing. Allele origin: germline.
Comment: This sequence change replaces aspartic acid, which is acidic and polar, with asparagine, which is neutral and polar, at codon 1856 of the CACNA1D protein (p.Asp1856Asn). This variant is not present in population databases (gnomAD no frequency). This variant has not been reported in the literature in individuals affected with CACNA1D-related conditions. Algorithms developed to predict the effect of missense changes on protein structure and function are either unavailable or do not agree on the potential impact of this missense change (SIFT: "Deleterious"; PolyPhen-2: "Benign"; Align-GVGD: "Class C0"). In summary, the available evidence is currently insufficient to determine the role of this variant in disease. Therefore, it has been classified as a Variant of Uncertain Significance.

NM_001128840.3(CACNA1D):c.5506G>A (p.Asp1836Asn)

Gene: CACNA1D (calcium voltage-gated channel subunit alpha1 D; plus strand). Cytogenetic location: 3p21.1.
Variant type: single nucleotide variant.
Coding change: c.5506G>A on transcript NM_001128840.3 (MANE Select); coding-DNA position 5506, G replaced by A.
Protein change: p.Asp1836Asn; replaces aspartic acid 1836 with asparagine.
Molecular consequence: missense variant.
Genome position (GRCh38, 1-based): chr3:53,803,493, G>A. VCF-style: chr3-53803493-G-A. GRCh37 (hg19) VCF-style: chr3-53837520-G-A.
Other names: c.5566G>A, p.Asp1856Asn (NM_000720.4); c.5434G>A, p.Asp1812Asn (NM_001128839.3); short protein forms D1812N, D1836N, D1856N.
Identifiers: ClinVar variation 2000949 (VCV002000949.4), dbSNP rs988267914, ClinGen allele CA353253543.
Genomic context (GRCh38, chr3:53,803,493, plus strand): 5'-GGAGATGAACAGCTCCCAACTATTTGCCGGGAAGACCCAGAGATACATGGCTATTTCAGG[G>A]ACCCCCACTGCTTGGGGGAGCAGGAGTATTTCAGTAGTGAGGAATGCTACGAGGATGACA-3'
Protein context (NP_001122312.1, residues 1826-1846): EDPEIHGYFR[Asp1836Asn]PHCLGEQEYF